The following is an entry in ClinVar:

ClinVar aggregate classification (germline): Uncertain significance (1 of 4 stars; one submission).

Submission:

GeneDx
Classification: Uncertain significance. Last evaluated: 2024-03-25. Review status: criteria provided, single submitter. Criteria: GeneDx Variant Classification Process June 2021. Collection method: clinical testing. Allele origin: germline. Affected: yes.
Comment: Not observed at significant frequency in large population cohorts (gnomAD); In silico analysis supports that this missense variant has a deleterious effect on protein structure/function; Has not been previously published as pathogenic or benign to our knowledge

NM_001244008.2(KIF1A):c.2559C>A (p.Phe853Leu)

Gene: KIF1A (kinesin family member 1A; minus strand). Cytogenetic location: 2q37.3.
Variant type: single nucleotide variant.
Coding change: c.2559C>A on transcript NM_001244008.2 (MANE Select); coding-DNA position 2559, C replaced by A.
Protein change: p.Phe853Leu; replaces phenylalanine 853 with leucine.
Molecular consequence: missense variant.
Genome position (GRCh38, 1-based): chr2:240,758,383, G>T on the plus strand (C>A on the coding strand, the complement: KIF1A is on the minus strand). VCF-style: chr2-240758383-G-T. GRCh37 (hg19) VCF-style: chr2-241697800-G-T.
Other names: c.2559C>A, p.Phe853Leu (NM_001320705.2, NM_001330289.2, NM_001379638.1); c.2634C>A, p.Phe878Leu (NM_001330290.2, NM_001379631.1, NM_001379634.1 and 2 more transcripts); c.2532C>A, p.Phe844Leu (NM_001379632.1, NM_001379633.1, NM_001379636.1 and 10 more transcripts); c.2607C>A, p.Phe869Leu (NM_001379637.1, NM_001379648.1); short protein forms F844L, F853L, F869L, F878L.
Identifiers: ClinVar variation 3361321 (VCV003361321.1).